The following is an entry in ClinVar:

NM_005733.3(KIF20A):c.1049A>G (p.Gln350Arg)

Gene: KIF20A (kinesin family member 20A; plus strand). Cytogenetic location: 5q31.2.
Variant type: single nucleotide variant.
Coding change: c.1049A>G on transcript NM_005733.3 (MANE Select); coding-DNA position 1049, A replaced by G.
Protein change: p.Gln350Arg; replaces glutamine 350 with arginine.
Molecular consequence: missense variant.
Genome position (GRCh38, 1-based): chr5:138,183,491, A>G. VCF-style: chr5-138183491-A-G. GRCh37 (hg19) VCF-style: chr5-137519180-A-G.
Other names: short protein forms Q350R.
Identifiers: ClinVar variation 2988419 (VCV002988419.3), dbSNP rs776135484, ClinGen allele CA3426482.
Genomic context (GRCh38, chr5:138,183,491, plus strand): 5'-TGGATGTTCCCATCTTACACCCCTCTCCTTTGGCCCCAGATCTCAACTGGATTCATGTGC[A>G]AGATGCTGAGGAGGCCTGGAAGCTCCTAAAAGTGGGTCGTAAGAACCAGAGCTTTGCCAG-3'
Protein context (NP_005724.1, residues 340-360): YVKDLNWIHV[Gln350Arg]DAEEAWKLLK

ClinVar aggregate classification (germline): Uncertain significance (1 of 4 stars; one submission).

Allele frequency attached by ClinVar (database versions not stated): gnomAD exomes below 0.00001; ExAC 0.00001.
gnomAD v4.1: 8 of 1,614,182 alleles (0.0005%); highest among the groups gnomAD compares: Admixed American, 0.0017%; no homozygotes.

Submission:

Labcorp Genetics (formerly Invitae), Labcorp
Classification: Uncertain significance. Last evaluated: 2024-06-01. Review status: criteria provided, single submitter. Criteria: Invitae Variant Classification Sherloc (09022015). Collection method: clinical testing. Allele origin: germline.
Comment: This sequence change replaces glutamine, which is neutral and polar, with arginine, which is basic and polar, at codon 350 of the KIF20A protein (p.Gln350Arg). This variant is present in population databases (rs776135484, gnomAD 0.003%). This variant has not been reported in the literature in individuals affected with KIF20A-related conditions. Algorithms developed to predict the effect of missense changes on protein structure and function output the following: SIFT: "Not Available"; PolyPhen-2: "Benign"; Align-GVGD: "Not Available". The arginine amino acid residue is found in multiple mammalian species, which suggests that this missense change does not adversely affect protein function. In summary, the available evidence is currently insufficient to determine the role of this variant in disease. Therefore, it has been classified as a Variant of Uncertain Significance.